The following is an entry in ClinVar:

NM_020366.4(RPGRIP1):c.95T>A (p.Met32Lys)

Gene: RPGRIP1 (RPGR interacting protein 1; plus strand). Cytogenetic location: 14q11.2.
Variant type: single nucleotide variant.
Coding change: c.95T>A on transcript NM_020366.4 (MANE Select); coding-DNA position 95, T replaced by A.
Protein change: p.Met32Lys; replaces methionine 32 with lysine.
Molecular consequence: missense variant.
Genome position (GRCh38, 1-based): chr14:21,294,686, T>A. VCF-style: chr14-21294686-T-A. GRCh37 (hg19) VCF-style: chr14-21762845-T-A.
Other names: short protein forms M32K.
Identifiers: ClinVar variation 195356 (VCV000195356.59), dbSNP rs200510462, ClinGen allele CA241768.
Genomic context (GRCh38, chr14:21,294,686, plus strand): 5'-CAAAAAATAGGTGTAAAAATACTGTCCATTTACTGTTTTCTGGGACTTTAGGTAAGAATA[T>A]GAAAACTCAACCACCCTTGAGCAGGATGAACCGGGAGGAATTGGAGGACAGTTTCTTTCG-3'
Protein context (NP_065099.3, residues 22-42): LVLPASKGKN[Met32Lys]KTQPPLSRMN

ClinVar aggregate classification (germline): Conflicting classifications of pathogenicity. Review status: criteria provided, conflicting classifications (1 of 4 stars). 14 submissions from 12 submitters: Uncertain significance (5); Likely benign (5). 4 of the submissions do not count toward it. Last evaluated 2026-01-26.

Conditions:
Retinal dystrophy. Also called: Inherited retinal dystrophy. Identifiers: Orphanet 71862, MedGen C0854723, MeSH D058499, MONDO:0019118, HP:0000556.
Cone-rod dystrophy 13 (CORD13). Identifiers: Orphanet 1872, MedGen C2750720, MONDO:0011987, OMIM 608194.
Leber congenital amaurosis 6 (LCA6). Identifiers: Orphanet 65, MedGen C1854260, MONDO:0013446, OMIM 613826.

Allele frequency attached by ClinVar (database versions not stated): ExAC 0.00159; gnomAD exomes 0.00221 and 0.00128; ESP Exome Variant Server 0.00235; 1000 Genomes Project 30x 0.00047; 1000 Genomes Project 0.00060; gnomAD 0.00139 and 0.00140; TOPMed 0.00139.
gnomAD v4.1: 3,360 of 1,613,328 alleles (0.21%); highest among the groups gnomAD compares: Non-Finnish European, 0.27%; 5 homozygotes.

Submissions (14):

Labcorp Genetics (formerly Invitae), Labcorp
Classification: Likely benign for Leber congenital amaurosis 6; Cone-rod dystrophy 13. Last evaluated: 2026-01-26. Review status: criteria provided, single submitter. Criteria: Invitae Variant Classification Sherloc (09022015). Collection method: clinical testing. Allele origin: germline.

Blueprint Genetics
Classification: Likely benign. Last evaluated: 2024-11-15. Review status: criteria provided, single submitter. Criteria: ACMG Guidelines, 2015. Collection method: clinical testing. Allele origin: germline.

CeGaT Center for Human Genetics Tuebingen
Classification: Likely benign. Last evaluated: 2024-01-01. Review status: criteria provided, single submitter. Criteria: CeGaT Center For Human Genetics Tuebingen Variant Classification Criteria Version 2. Collection method: clinical testing. Allele origin: germline. Affected: yes. Observed: 2 variant alleles.
Comment: RPGRIP1: BP4, BS2

Genome-Nilou Lab
Classification: Likely benign for Leber congenital amaurosis 6. Last evaluated: 2021-11-07. Review status: criteria provided, single submitter. Criteria: ACMG Guidelines, 2015. Collection method: clinical testing. Allele origin: germline. Affected: no.

Genome-Nilou Lab
Classification: Likely benign for Cone-rod dystrophy 13. Last evaluated: 2021-11-07. Review status: criteria provided, single submitter. Criteria: ACMG Guidelines, 2015. Collection method: clinical testing. Allele origin: germline. Affected: no.

ARUP Laboratories, Molecular Genetics and Genomics, ARUP Laboratories
Classification: Uncertain significance. Last evaluated: 2020-01-06. Review status: criteria provided, single submitter. Criteria: ARUP Molecular Germline Variant Investigation Process. Collection method: clinical testing. Allele origin: germline.

Fulgent Genetics
Classification: Uncertain significance for Cone-rod dystrophy 13; Leber congenital amaurosis 6. Last evaluated: 2018-10-31. Review status: criteria provided, single submitter. Criteria: ACMG Guidelines, 2015. Collection method: clinical testing. Allele origin: unknown.

Illumina Laboratory Services, Illumina
Classification: Uncertain significance for Cone-rod dystrophy 13. Last evaluated: 2018-01-13. Review status: criteria provided, single submitter. Criteria: ICSL Variant Classification Criteria 13 December 2019. Collection method: clinical testing. Allele origin: germline.

Illumina Laboratory Services, Illumina
Classification: Uncertain significance for Leber congenital amaurosis 6. Last evaluated: 2018-01-13. Review status: criteria provided, single submitter. Criteria: ICSL Variant Classification Criteria 13 December 2019. Collection method: clinical testing. Allele origin: germline.

Eurofins Ntd Llc (ga)
Classification: Uncertain significance. Last evaluated: 2014-10-03. Review status: criteria provided, single submitter. Criteria: EGL Classification Definitions 2015. Collection method: clinical testing. Allele origin: germline. Observed: 2 variant alleles, 2 heterozygotes.

Institute of Human Genetics, Univ. Regensburg, Univ. Regensburg
Classification: Uncertain significance for Retinal dystrophy. Last evaluated: 2023-01-01. Review status: no assertion criteria provided. Criteria: ACMG Guidelines, 2015. Collection method: clinical testing. Allele origin: germline. Affected: yes. Not counted in ClinVar's aggregate classification.

Clinical Genetics DNA and cytogenetics Diagnostics Lab, Erasmus MC, Erasmus Medical Center
Classification: Likely benign. Review status: no assertion criteria provided. Collection method: clinical testing. Allele origin: germline. Affected: yes. Study: VKGL Data-share Consensus. Not counted in ClinVar's aggregate classification.

Clinical Genetics, Academic Medical Center
Classification: Benign. Review status: no assertion criteria provided. Collection method: clinical testing. Allele origin: germline. Affected: yes. Study: VKGL Data-share Consensus. Not counted in ClinVar's aggregate classification.

Genome Diagnostics Laboratory, University Medical Center Utrecht
Classification: Likely benign. Review status: no assertion criteria provided. Collection method: clinical testing. Allele origin: germline. Affected: yes. Study: VKGL Data-share Consensus. Not counted in ClinVar's aggregate classification.